The following is an entry in ClinVar:

NM_139027.6(ADAMTS13):c.1717T>C (p.Phe573Leu)

Gene: ADAMTS13 (ADAM metallopeptidase with thrombospondin type 1 motif 13; plus strand). Cytogenetic location: 9q34.2.
Variant type: single nucleotide variant.
Coding change: c.1717T>C on transcript NM_139027.6 (MANE Select); coding-DNA position 1717, T replaced by C.
Protein change: p.Phe573Leu; replaces phenylalanine 573 with leucine.
Molecular consequence: missense variant. On other transcripts: non-coding transcript variant (1).
Genome position (GRCh38, 1-based): chr9:133,439,377, T>C. VCF-style: chr9-133439377-T-C. GRCh37 (hg19) VCF-style: chr9-136304498-T-C.
Other names: c.1717T>C, p.Phe573Leu (NM_139025.5); c.1624T>C, p.Phe542Leu (NM_139026.6); short protein forms F542L, F573L.
Identifiers: ClinVar variation 4762946 (VCV004762946.1).
Genomic context (GRCh38, chr9:133,439,377, plus strand): 5'-TGTGGTGGCTGTGAGGTCCACGCATCTCTCCTTCTTTTCTTCTTTCTAGAATATGTCACG[T>C]TTCTGACAGTTACCCCCAACCTGACCAGTGTCTACATTGCCAACCACAGGCCTCTCTTCA-3'
Protein context (NP_620596.2, residues 563-583): TAGRAREYVT[Phe573Leu]LTVTPNLTSV

ClinVar aggregate classification (germline): Uncertain significance (1 of 4 stars; one submission).

gnomAD v4.1: 2 of 1,612,724 alleles (0.00012%); highest among the groups gnomAD compares: Non-Finnish European, 0.00017%; no homozygotes.

Submission:

Labcorp Genetics (formerly Invitae), Labcorp
Classification: Uncertain significance. Last evaluated: 2025-12-09. Review status: criteria provided, single submitter. Criteria: Invitae Variant Classification Sherloc (09022015). Collection method: clinical testing. Allele origin: germline.
Comment: This sequence change replaces phenylalanine, which is neutral and non-polar, with leucine, which is neutral and non-polar, at codon 573 of the ADAMTS13 protein (p.Phe573Leu). This variant is not present in population databases (gnomAD no frequency). This variant has not been reported in the literature in individuals affected with ADAMTS13-related conditions. Experimental studies and prediction algorithms are not available or were not evaluated, and the functional significance of this variant is currently unknown. In summary, the available evidence is currently insufficient to determine the role of this variant in disease. Therefore, it has been classified as a Variant of Uncertain Significance.